The following is an entry in ClinVar:

ClinVar aggregate classification (germline): Uncertain significance. Review status: criteria provided, multiple submitters, no conflicts (2 of 4 stars). 2 submissions from 2 submitters: Uncertain significance (2). Last evaluated 2024-10-28.

Conditions:
Ectodermal dysplasia 11A, hypohidrotic/hair/tooth type, autosomal dominant. Identifiers: Orphanet 1810, Orphanet 238468, MedGen C3541517, MONDO:0013982, OMIM 614940.
Ectodermal dysplasia 11B, hypohidrotic/hair/tooth type, autosomal recessive. Identifiers: Orphanet 238468, Orphanet 248, MedGen C3539920, MONDO:0013983, OMIM 614941.

Submissions (2):

Blueprint Genetics
Classification: Uncertain significance. Last evaluated: 2024-10-28. Review status: criteria provided, single submitter. Criteria: ACMG Guidelines, 2015. Collection method: clinical testing. Allele origin: germline.

Labcorp Genetics (formerly Invitae), Labcorp
Classification: Uncertain significance for Ectodermal dysplasia 11B, hypohidrotic/hair/tooth type, autosomal recessive; Ectodermal dysplasia 11A, hypohidrotic/hair/tooth type, autosomal dominant. Last evaluated: 2021-05-17. Review status: criteria provided, single submitter. Criteria: Invitae Variant Classification Sherloc (09022015). Collection method: clinical testing. Allele origin: germline.
Comment: This variant has been observed in individual(s) with autosomal dominant ectodermal dysplasia (Invitae). In summary, the available evidence is currently insufficient to determine the role of this variant in disease. Therefore, it has been classified as a Variant of Uncertain Significance. This variant disrupts the p.Asp120 amino acid residue in EDARADD. Other variant(s) that disrupt this residue have been observed in individuals with EDARADD-related conditions (PMID: 20979233), which suggests that this may be a clinically significant amino acid residue. Algorithms developed to predict the effect of sequence changes on RNA splicing suggest that this variant may create or strengthen a splice site, but this prediction has not been confirmed by published transcriptional studies. Algorithms developed to predict the effect of missense changes on protein structure and function are either unavailable or do not agree on the potential impact of this missense change (SIFT: "Not Available"; PolyPhen-2: "Probably Damaging"; Align-GVGD: "Not Available"). The frequency data for this variant in the population databases is not available, as this variant may be reported as separate entries in the ExAC database. This sequence change replaces aspartic acid with isoleucine at codon 120 of the EDARADD protein (p.Asp120Ile). The aspartic acid residue is highly conserved and there is a large physicochemical difference between aspartic acid and isoleucine.

Literature cited by the submitters: PubMed 20979233 (cited by Labcorp Genetics (formerly Invitae), Labcorp).

NM_145861.4(EDARADD):c.358_359delinsAT (p.Asp120Ile)

Gene: EDARADD (EDAR associated via death domain; plus strand). Cytogenetic location: 1q43.
Variant type: Indel.
Coding change: c.358_359delinsAT on transcript NM_145861.4 (MANE Select); coding-DNA positions 358 to 359, GA replaced by AT.
Protein change: p.Asp120Ile; replaces aspartic acid 120 with isoleucine.
Molecular consequence: missense variant.
Genome position (GRCh38, 1-based): chr1:236,482,359-236,482,360, GA replaced by AT. VCF-style: chr1-236482359-GA-AT. GRCh37 (hg19) VCF-style: chr1-236645659-GA-AT.
Other names: c.292_293delGAinsAT, p.Asp98Ile (NM_001422628.1); c.328_329delGAinsAT, p.Asp110Ile (NM_080738.5); short protein forms D120I, D110I, D98I.
Identifiers: ClinVar variation 1354328 (VCV001354328.7), dbSNP rs2103042601, ClinGen allele CA2573132946.
Genomic context (GRCh38, chr1:236,482,359, plus strand): 5'-TGTACTTGTTCCTCCTGCTTGCTCCGGGCCCCCACCATAAGTGACTTGCTCAATGATCAG[GA>AT]CTTACTAGACGTGATCAGGATAAAGCTGGATCCGTGTCACCCAACGGTGAAAAACTGGAG-3'
Protein context (NP_665860.2, residues 110-130): PTISDLLNDQ[Asp120Ile]LLDVIRIKLD